The following is an entry in ClinVar:

ClinVar aggregate classification (germline): Uncertain significance (1 of 4 stars; one submission).

gnomAD v4.1: 7 of 1,614,036 alleles (0.00043%); highest among the groups gnomAD compares: Non-Finnish European, 0.00059%; no homozygotes.

Submission:

Labcorp Genetics (formerly Invitae), Labcorp
Classification: Uncertain significance. Last evaluated: 2024-02-01. Review status: criteria provided, single submitter. Criteria: Invitae Variant Classification Sherloc (09022015). Collection method: clinical testing. Allele origin: germline.
Comment: This sequence change falls in intron 14 of the DNM1L gene. It does not directly change the encoded amino acid sequence of the DNM1L protein. It affects a nucleotide within the consensus splice site. This variant is not present in population databases (gnomAD no frequency). This variant has not been reported in the literature in individuals affected with DNM1L-related conditions. Variants that disrupt the consensus splice site are a relatively common cause of aberrant splicing (PMID: 17576681, 9536098). Algorithms developed to predict the effect of sequence changes on RNA splicing suggest that this variant is not likely to affect RNA splicing. In summary, the available evidence is currently insufficient to determine the role of this variant in disease. Therefore, it has been classified as a Variant of Uncertain Significance.

Literature cited by the submitters: PubMed 17576681; PubMed 9536098.

NM_012062.5(DNM1L):c.1597-3T>C

Gene: DNM1L (dynamin 1 like; plus strand). Cytogenetic location: 12p11.21.
Variant type: single nucleotide variant.
Coding change: c.1597-3T>C on transcript NM_012062.5 (MANE Select); 3 bases into the intron before coding-DNA position 1597, T replaced by C.
Molecular consequence: intron variant.
Genome position (GRCh38, 1-based): chr12:32,737,862, T>C. VCF-style: chr12-32737862-T-C. GRCh37 (hg19) VCF-style: chr12-32890796-T-C.
Other names: c.1597-402T>C (NM_012063.4); c.1596+701T>C (NM_005690.5); c.1636-3T>C (NM_001278464.2, NM_001278465.2); c.1635+701T>C (NM_001330380.2); c.988-3T>C (NM_001278466.2); c.1597-3T>C (NM_001278463.2).
Identifiers: ClinVar variation 3632061 (VCV003632061.2).